The following is an entry in ClinVar:

ClinVar aggregate classification (germline): Uncertain significance. Review status: criteria provided, multiple submitters, no conflicts (2 of 4 stars). 5 submissions from 5 submitters: Uncertain significance (5). Last evaluated 2025-09-24.

Conditions:
Hereditary cancer-predisposing syndrome. Also called: Neoplastic Syndromes, Hereditary; Tumor predisposition; Hereditary Cancer Syndrome; Hereditary neoplastic syndrome. Identifiers: Orphanet 140162, MedGen C0027672, MeSH D009386, MONDO:0015356.
Nijmegen breakage syndrome-like disorder (NBSLD). Also called: MICROCEPHALY AND SPONTANEOUS CHROMOSOME INSTABILITY WITHOUT IMMUNODEFICIENCY; NBS-LIKE DISORDER; RAD50 DEFICIENCY. Identifiers: Orphanet 240760, MedGen C2751318, MONDO:0013118, OMIM 613078.

Allele frequency attached by ClinVar (database versions not stated): gnomAD exomes 0.00001.
gnomAD v4.1: 17 of 1,613,914 alleles (0.0011%); highest among the groups gnomAD compares: Non-Finnish European, 0.0014%; no homozygotes.

Submissions (5):

Labcorp Genetics (formerly Invitae), Labcorp
Classification: Uncertain significance for Hereditary cancer-predisposing syndrome. Last evaluated: 2025-09-24. Review status: criteria provided, single submitter. Criteria: Invitae Variant Classification Sherloc (09022015). Collection method: clinical testing. Allele origin: germline.
Comment: This sequence change replaces arginine, which is basic and polar, with histidine, which is basic and polar, at codon 1256 of the RAD50 protein (p.Arg1256His). This variant is present in population databases (rs786203127, gnomAD 0.002%). This variant has not been reported in the literature in individuals affected with RAD50-related conditions. ClinVar contains an entry for this variant (Variation ID: 186665). Invitae Evidence Modeling of protein sequence and biophysical properties (such as structural, functional, and spatial information, amino acid conservation, physicochemical variation, residue mobility, and thermodynamic stability) indicates that this missense variant is expected to disrupt RAD50 protein function with a positive predictive value of 80%. In summary, the available evidence is currently insufficient to determine the role of this variant in disease. Therefore, it has been classified as a Variant of Uncertain Significance.

Fulgent Genetics
Classification: Uncertain significance for Nijmegen breakage syndrome-like disorder. Last evaluated: 2024-05-08. Review status: criteria provided, single submitter. Criteria: ACMG Guidelines, 2015. Collection method: clinical testing. Allele origin: germline.

Ambry Genetics
Classification: Uncertain significance for Hereditary cancer-predisposing syndrome. Last evaluated: 2024-04-25. Review status: criteria provided, single submitter. Criteria: Ambry Variant Classification Scheme 2023. Collection method: clinical testing. Allele origin: germline.
Comment: The p.R1256H variant (also known as c.3767G>A), located in coding exon 25 of the RAD50 gene, results from a G to A substitution at nucleotide position 3767. The arginine at codon 1256 is replaced by histidine, an amino acid with highly similar properties. This amino acid position is highly conserved in available vertebrate species. In addition, this alteration is predicted to be deleterious by in silico analysis. Since supporting evidence is limited at this time, the clinical significance of this alteration remains unclear.

Baylor Genetics
Classification: Uncertain significance for Nijmegen breakage syndrome-like disorder. Last evaluated: 2023-05-16. Review status: criteria provided, single submitter. Criteria: ACMG Guidelines, 2015. Collection method: clinical testing. Allele origin: unknown.

Women's Health and Genetics/Laboratory Corporation of America, LabCorp
Classification: Uncertain significance. Last evaluated: 2019-07-15. Review status: criteria provided, single submitter. Criteria: LabCorp Variant Classification Summary - May 2015. Collection method: clinical testing. Allele origin: germline.
Comment: Variant summary: RAD50 c.3767G>A (p.Arg1256His) results in a non-conservative amino acid change in the encoded protein sequence. Four of five in-silico tools predict a damaging effect of the variant on protein function. The variant allele was found at a frequency of 8e-06 in 251276 control chromosomes. The available data on variant occurrences in the general population are insufficient to allow any conclusion about variant significance. To our knowledge, no occurrence of c.3767G>A in individuals affected with Hereditary Breast and Ovarian Cancer and no experimental evidence demonstrating its impact on protein function have been reported. Two clinical diagnostic laboratories have submitted clinical-significance assessments of uncertain significance for this variant to ClinVar after 2014. Based on the evidence outlined above, the variant was classified as uncertain significance.

NM_005732.4(RAD50):c.3767G>A (p.Arg1256His)

Genes: TH2LCRR (T helper type 2 locus control region associated RNA; minus strand), TH2-LCR (Th2 cytokine locus control region; plus strand), RAD50 (RAD50 double strand break repair protein; plus strand). Cytogenetic location: 5q31.1.
Variant type: single nucleotide variant.
Coding change: c.3767G>A on transcript NM_005732.4 (MANE Select); coding-DNA position 3767, G replaced by A.
Protein change: p.Arg1256His; replaces arginine 1256 with histidine.
Molecular consequence: missense variant.
Genome position (GRCh38, 1-based): chr5:132,642,192, G>A. VCF-style: chr5-132642192-G-A. GRCh37 (hg19) VCF-style: chr5-131977884-G-A.
Other names: short protein forms R1256H.
Identifiers: ClinVar variation 186665 (VCV000186665.18), dbSNP rs786203127, ClinGen allele CA333903.